The following is an entry in ClinVar:

NM_198578.4(LRRK2):c.2335A>T (p.Ile779Phe)

Gene: LRRK2 (leucine rich repeat kinase 2; plus strand). Cytogenetic location: 12q12.
Variant type: single nucleotide variant.
Coding change: c.2335A>T on transcript NM_198578.4 (MANE Select); coding-DNA position 2335, A replaced by T.
Protein change: p.Ile779Phe; replaces isoleucine 779 with phenylalanine.
Molecular consequence: missense variant.
Genome position (GRCh38, 1-based): chr12:40,283,968, A>T. VCF-style: chr12-40283968-A-T. GRCh37 (hg19) VCF-style: chr12-40677770-A-T.
Other names: short protein forms I779F.
Identifiers: ClinVar variation 2567409 (VCV002567409.2), dbSNP rs748862907, ClinGen allele CA384406580.
Genomic context (GRCh38, chr12:40,283,968, plus strand): 5'-GAACTCTTACTGAATAGTGGATCTCGTGAACAAGATGTACGAAAAGCGTTGACGATAAGC[A>T]TTGGGAAAGGTGACAGCCAGATCATCAGCTTGCTCTTAAGGAGGCTGGCCCTGGATGTGG-3'
Protein context (NP_940980.4, residues 769-789): QDVRKALTIS[Ile779Phe]GKGDSQIISL

ClinVar aggregate classification (germline): Uncertain significance (1 of 4 stars; one submission).

Conditions:
Inborn genetic diseases. Identifiers: MedGen C0950123, MeSH D030342.

Submission:

Ambry Genetics
Classification: Uncertain significance for Inborn genetic diseases. Last evaluated: 2023-05-18. Review status: criteria provided, single submitter. Criteria: Ambry Variant Classification Scheme 2023. Collection method: clinical testing. Allele origin: germline.
Comment: The p.I779F variant (also known as c.2335A>T), located in coding exon 19 of the LRRK2 gene, results from an A to T substitution at nucleotide position 2335. The isoleucine at codon 779 is replaced by phenylalanine, an amino acid with highly similar properties. This amino acid position is conserved. In addition, the in silico prediction for this alteration is inconclusive. Since supporting evidence is limited at this time, the clinical significance of this alteration remains unclear.